The following is an entry in ClinVar:

ClinVar aggregate classification (germline): Uncertain significance (1 of 4 stars; one submission).

Allele frequency attached by ClinVar (database versions not stated): gnomAD exomes below 0.00001.
gnomAD v4.1: 5 of 1,609,370 alleles (0.00031%); highest among the groups gnomAD compares: Non-Finnish European, 0.00042%; no homozygotes.

Submission:

Labcorp Genetics (formerly Invitae), Labcorp
Classification: Uncertain significance. Last evaluated: 2024-03-24. Review status: criteria provided, single submitter. Criteria: Invitae Variant Classification Sherloc (09022015). Collection method: clinical testing. Allele origin: germline.
Comment: This sequence change replaces arginine, which is basic and polar, with tryptophan, which is neutral and slightly polar, at codon 609 of the TCF3 protein (p.Arg609Trp). This variant is not present in population databases (gnomAD no frequency). This variant has not been reported in the literature in individuals affected with TCF3-related conditions. ClinVar contains an entry for this variant (Variation ID: 1427387). An algorithm developed to predict the effect of missense changes on protein structure and function (PolyPhen-2) suggests that this variant is likely to be disruptive. In summary, the available evidence is currently insufficient to determine the role of this variant in disease. Therefore, it has been classified as a Variant of Uncertain Significance.

NM_003200.5(TCF3):c.1825C>T (p.Arg609Trp)

Gene: TCF3 (transcription factor 3; minus strand). Cytogenetic location: 19p13.3.
Variant type: single nucleotide variant.
Coding change: c.1825C>T on transcript NM_003200.5 (MANE Select); coding-DNA position 1825, C replaced by T.
Protein change: p.Arg609Trp; replaces arginine 609 with tryptophan.
Molecular consequence: missense variant.
Genome position (GRCh38, 1-based): chr19:1,611,847, G>A on the plus strand (C>T on the coding strand, the complement: TCF3 is on the minus strand). VCF-style: chr19-1611847-G-A. GRCh37 (hg19) VCF-style: chr19-1611846-G-A.
Other names: c.1816C>T, p.Arg606Trp (NM_001351779.2, NM_001136139.4); c.1822C>T, p.Arg608Trp (NM_001351778.2); short protein forms R608W, R606W, R609W.
Identifiers: ClinVar variation 1427387 (VCV001427387.6), dbSNP rs2145712476, ClinGen allele CA403048279.
Genomic context (GRCh38, chr19:1,611,847, plus strand): 5'-CACCTGACACCTTTTCCTCTTCTCGCCGTTTCAAACAGGCTGCTTTGGGATTCAGGTTCC[G>A]CTCTGGAGGGAGGGGGGAGAGCTCTGTGGGAGACGGTCCCAGGGAGGAGAAAGATGTGAG-3'
Protein context (NP_003191.1, residues 599-619): ILNLEQQVRE[Arg609Trp]NLNPKAACLK